The following is an entry in ClinVar:

ClinVar aggregate classification (germline): Uncertain significance. Review status: criteria provided, multiple submitters, no conflicts (2 of 4 stars). 2 submissions from 2 submitters: Uncertain significance (2). Last evaluated 2025-07-21.

Conditions:
Blau syndrome (BLAUS). Also called: ARTHROCUTANEOUVEAL GRANULOMATOSIS; GRANULOMATOSIS, FAMILIAL JUVENILE SYSTEMIC; GRANULOMATOSIS, FAMILIAL, BLAU TYPE; GRANULOMATOUS INFLAMMATORY ARTHRITIS, DERMATITIS, AND UVEITIS, FAMILIAL; JABS SYNDROME. Identifiers: Orphanet 90340, MedGen C5201146, MONDO:0008523, OMIM 186580.
Yao syndrome. Also called: Susceptibility to Yao syndrome. Identifiers: MedGen C4310620, MONDO:0015019, OMIM 617321.
Inflammatory bowel disease 1 (IBD1). Also called: Inflammatory bowel disease 1, Crohn disease; INFLAMMATORY BOWEL DISEASE (CROHN DISEASE) 1. Identifiers: MedGen CN260071, MONDO:0009960, OMIM 266600.
Regional enteritis. Also called: Enteritis, Granulomatous. Identifiers: MedGen C0678202, MeSH D003424.

Submissions (2):

Labcorp Genetics (formerly Invitae), Labcorp
Classification: Uncertain significance for Regional enteritis; Blau syndrome. Last evaluated: 2025-07-21. Review status: criteria provided, single submitter. Criteria: Invitae Variant Classification Sherloc (09022015). Collection method: clinical testing. Allele origin: germline.
Comment: This sequence change replaces phenylalanine, which is neutral and non-polar, with serine, which is neutral and polar, at codon 488 of the NOD2 protein (p.Phe488Ser). This variant is not present in population databases (gnomAD no frequency). This variant has not been reported in the literature in individuals affected with NOD2-related conditions. ClinVar contains an entry for this variant (Variation ID: 2945171). Invitae Evidence Modeling of protein sequence and biophysical properties (such as structural, functional, and spatial information, amino acid conservation, physicochemical variation, residue mobility, and thermodynamic stability) has been performed for this missense variant. However, the output from this modeling did not meet the statistical confidence thresholds required to predict the impact of this variant on NOD2 protein function. In summary, the available evidence is currently insufficient to determine the role of this variant in disease. Therefore, it has been classified as a Variant of Uncertain Significance.

Fulgent Genetics
Classification: Uncertain significance for Blau syndrome; Inflammatory bowel disease 1; Yao syndrome. Last evaluated: 2024-05-17. Review status: criteria provided, single submitter. Criteria: ACMG Guidelines, 2015. Collection method: clinical testing. Allele origin: germline.

NM_001370466.1(NOD2):c.1382T>C (p.Phe461Ser)

Gene: NOD2 (nucleotide binding oligomerization domain containing 2; plus strand). Cytogenetic location: 16q12.1.
Variant type: single nucleotide variant.
Coding change: c.1382T>C on transcript NM_001370466.1 (MANE Select); coding-DNA position 1382, T replaced by C.
Protein change: p.Phe461Ser; replaces phenylalanine 461 with serine.
Molecular consequence: missense variant. On other transcripts: non-coding transcript variant (1).
Genome position (GRCh38, 1-based): chr16:50,711,374, T>C. VCF-style: chr16-50711374-T-C. GRCh37 (hg19) VCF-style: chr16-50745285-T-C.
Other names: c.1463T>C (NM_022162.2); c.1382T>C, p.Phe461Ser (NM_001293557.2); c.1463T>C, p.Phe488Ser (NM_022162.3); short protein forms F461S, F488S.
Identifiers: ClinVar variation 2945171 (VCV002945171.4), dbSNP rs2506413418, ClinGen allele CA395868971.